The following is an entry in ClinVar:

NM_004612.4(TGFBR1):c.197T>C (p.Ile66Thr)

Gene: TGFBR1 (transforming growth factor beta receptor 1; plus strand). Cytogenetic location: 9q22.33.
Variant type: single nucleotide variant.
Coding change: c.197T>C on transcript NM_004612.4 (MANE Select); coding-DNA position 197, T replaced by C.
Protein change: p.Ile66Thr; replaces isoleucine 66 with threonine.
Molecular consequence: missense variant. On other transcripts: 5 prime UTR variant (15), non-coding transcript variant (4), intron variant (3).
Genome position (GRCh38, 1-based): chr9:99,128,954, T>C. VCF-style: chr9-99128954-T-C. GRCh37 (hg19) VCF-style: chr9-101891236-T-C.
Other names: c.-11T>C (NM_001407425.1, NM_001407428.1, NM_001407429.1 and 12 more transcripts); c.98-3555T>C (NM_001407436.1); c.98-8905T>C (NM_001407438.1); c.98-13582T>C (NM_001407437.1); c.197T>C, p.Ile66Thr (NM_001407435.1, NM_001130916.3, NM_001306210.2 and 2 more transcripts); short protein forms I66T.
Identifiers: ClinVar variation 3893759 (VCV003893759.1).

ClinVar aggregate classification (germline): Uncertain significance (1 of 4 stars; one submission).

Conditions:
Familial thoracic aortic aneurysm and aortic dissection (TAAD). Also called: Thoracic aortic aneurysms and dissections. Identifiers: Orphanet 91387, MedGen C4707243, MONDO:0019625.

Submission:

Color Diagnostics, LLC DBA Color Health
Classification: Uncertain significance for Familial thoracic aortic aneurysm and aortic dissection. Last evaluated: 2024-04-29. Review status: criteria provided, single submitter. Criteria: ACMG Guidelines, 2015. Collection method: clinical testing. Allele origin: germline.
Comment: This missense variant replaces isoleucine with threonine at codon 66 of the TGFBR1 protein. Computational prediction tools indicate that this variant has a neutral impact on protein structure and function. To our knowledge, functional studies have not been reported for this variant. This variant has not been reported in individuals affected with TGFBR1-related disorders in the literature. This variant has not been identified in the general population by the Genome Aggregation Database (gnomAD). The available evidence is insufficient to determine the role of this variant in disease conclusively. Therefore, this variant is classified as a Variant of Uncertain Significance.